The following is an entry in ClinVar:

ClinVar aggregate classification (germline): Conflicting classifications of pathogenicity. Review status: criteria provided, conflicting classifications (1 of 4 stars). 3 submissions from 3 submitters: Likely pathogenic (1); Uncertain significance (1). 1 of the submissions does not count toward it. Last evaluated 2024-11-26.

Conditions:
Congenital bilateral aplasia of vas deferens from CFTR mutation (CBAVD). Identifiers: Orphanet 48, MedGen C0403814, MONDO:0010178, OMIM 277180. Disease mechanism: loss of function.
Cystic fibrosis (CF). Also called: MUCOVISCIDOSIS. Identifiers: Orphanet 586, MedGen C0010674, MONDO:0009061, OMIM 219700. Disease mechanism: loss of function.

Allele frequency attached by ClinVar (database versions not stated): TOPMed below 0.00001; gnomAD exomes below 0.00001.
gnomAD v4.1: 1 of 1,613,658 alleles (0.000062%); highest among the groups gnomAD compares: Non-Finnish European, 0.000085%; no homozygotes.

Submissions (3):

Institute of Human Genetics, University of Leipzig Medical Center
Classification: Likely pathogenic for Congenital bilateral aplasia of vas deferens from CFTR mutation. Last evaluated: 2024-11-26. Review status: criteria provided, single submitter. Criteria: ACMG Guidelines, 2015. Collection method: clinical testing. Allele origin: paternal. Inheritance: Autosomal recessive inheritance. Affected: yes.
Comment: Criteria applied: PM5,PP3_MOD,PM2_SUP,PM3_SUP; Identified as compound heterozygous with NM_000492.4:c.350G>A

Labcorp Genetics (formerly Invitae), Labcorp
Classification: Uncertain significance for Cystic fibrosis. Last evaluated: 2019-12-16. Review status: criteria provided, single submitter. Criteria: Invitae Variant Classification Sherloc (09022015). Collection method: clinical testing. Allele origin: germline.
Comment: In summary, the available evidence is currently insufficient to determine the role of this variant in disease. Therefore, it has been classified as a Variant of Uncertain Significance. Algorithms developed to predict the effect of missense changes on protein structure and function (SIFT, PolyPhen-2, Align-GVGD) all suggest that this variant is likely to be disruptive, but these predictions have not been confirmed by published functional studies and their clinical significance is uncertain. This variant has not been reported in the literature in individuals with CFTR-related conditions. This variant is not present in population databases (ExAC no frequency). This sequence change replaces glycine with glutamic acid at codon 1265 of the CFTR protein (p.Gly1265Glu). The glycine residue is highly conserved and there is a moderate physicochemical difference between glycine and glutamic acid.

Natera, Inc.
Classification: Uncertain significance for Cystic Fibrosis. Last evaluated: 2020-09-16. Review status: no assertion criteria provided. Collection method: clinical testing. Allele origin: germline. Not counted in ClinVar's aggregate classification.

NM_000492.4(CFTR):c.3794G>A (p.Gly1265Glu)

Genes: CFTR (CF transmembrane conductance regulator; plus strand), CFTR-AS2 (CFTR antisense RNA 2; minus strand). Cytogenetic location: 7q31.2.
Variant type: single nucleotide variant.
Coding change: c.3794G>A on transcript NM_000492.4 (MANE Select); coding-DNA position 3794, G replaced by A.
Protein change: p.Gly1265Glu; replaces glycine 1265 with glutamic acid.
Molecular consequence: missense variant.
Genome position (GRCh38, 1-based): chr7:117,642,514, G>A. VCF-style: chr7-117642514-G-A. GRCh37 (hg19) VCF-style: chr7-117282568-G-A.
Other names: short protein forms G1265E.
Identifiers: ClinVar variation 840799 (VCV000840799.13), dbSNP rs1554395370, ClinGen allele CA368974973.